The following is an entry in ClinVar:

ClinVar aggregate classification (germline): Uncertain significance (1 of 4 stars; one submission).

Conditions:
Hereditary cancer-predisposing syndrome. Also called: Tumor predisposition; Hereditary Cancer Syndrome; Neoplastic Syndromes, Hereditary; Hereditary neoplastic syndrome. Identifiers: Orphanet 140162, MedGen C0027672, MeSH D009386, MONDO:0015356.

Submission:

Ambry Genetics
Classification: Uncertain significance for Hereditary cancer-predisposing syndrome. Last evaluated: 2022-02-17. Review status: criteria provided, single submitter. Criteria: Ambry Variant Classification Scheme 2023. Collection method: clinical testing. Allele origin: germline.
Comment: The p.R86C variant (also known as c.256C>T), located in coding exon 1 of the GREM1 gene, results from a C to T substitution at nucleotide position 256. The arginine at codon 86 is replaced by cysteine, an amino acid with highly dissimilar properties. This amino acid position is conserved. In addition, the in silico prediction for this alteration is inconclusive. Since supporting evidence is limited at this time, the clinical significance of this alteration remains unclear.

NM_013372.7(GREM1):c.256C>T (p.Arg86Cys)

Gene: GREM1 (gremlin 1, DAN family BMP antagonist; plus strand). Cytogenetic location: 15q13.3.
Variant type: single nucleotide variant.
Coding change: c.256C>T on transcript NM_013372.7 (MANE Select); coding-DNA position 256, C replaced by T.
Protein change: p.Arg86Cys; replaces arginine 86 with cysteine.
Molecular consequence: missense variant.
Genome position (GRCh38, 1-based): chr15:32,730,946, C>T. VCF-style: chr15-32730946-C-T. GRCh37 (hg19) VCF-style: chr15-33023147-C-T.
Other names: c.46C>T, p.Arg16Cys (NM_001191322.2); c.133C>T, p.Arg45Cys (NM_001191323.2); c.256C>T, p.Arg86Cys (NM_001368719.1); short protein forms R86C, R16C, R45C.
Identifiers: ClinVar variation 1793218 (VCV001793218.2), dbSNP rs2055606053, ClinGen allele CA391557532.
Genomic context (GRCh38, chr15:32,730,946, plus strand): 5'-ACTGCCATGCCCGGGGAGGAGGTGCTGGAGTCCAGCCAAGAGGCCCTGCATGTGACGGAG[C>T]GCAAATACCTGAAGCGAGACTGGTGCAAAACCCAGCCGCTTAAGCAGACCATCCACGAGG-3'
Protein context (NP_037504.1, residues 76-96): SSQEALHVTE[Arg86Cys]KYLKRDWCKT